The following is an entry in ClinVar:

ClinVar aggregate classification (germline): Benign/Likely benign. Review status: criteria provided, multiple submitters, no conflicts (2 of 4 stars). 4 submissions from 4 submitters: Benign (1); Likely benign (3). Last evaluated 2025-09-25.

Conditions:
Hereditary cancer-predisposing syndrome. Also called: Neoplastic Syndromes, Hereditary; Hereditary neoplastic syndrome; Hereditary Cancer Syndrome; Tumor predisposition. Identifiers: Orphanet 140162, MedGen C0027672, MeSH D009386, MONDO:0015356.
Fanconi anemia complementation group O. Also called: RAD51C-Related Fanconi Anemia. Identifiers: Orphanet 84, MedGen C3150653, MONDO:0013248, OMIM 613390.
Breast-ovarian cancer, familial, susceptibility to, 3. Also called: RAD51C-Related Breast/Ovarian Cancer. Identifiers: Orphanet 145, MedGen C3150659, MONDO:0013253, OMIM 613399.
RAD51C-related disorder. Also called: RAD51C-related disorders; RAD51C-related condition.

Allele frequency attached by ClinVar (database versions not stated): ExAC 0.00001.
gnomAD v4.1: 4 of 1,614,234 alleles (0.00025%); highest among the groups gnomAD compares: South Asian, 0.0044%; no homozygotes.

Submissions (4):

Labcorp Genetics (formerly Invitae), Labcorp
Classification: Likely benign for Fanconi anemia complementation group O. Last evaluated: 2025-09-25. Review status: criteria provided, single submitter. Criteria: Invitae Variant Classification Sherloc (09022015). Collection method: clinical testing. Allele origin: germline.

PreventionGenetics, part of Exact Sciences
Classification: Likely benign for RAD51C-related condition. Last evaluated: 2025-03-12. Review status: criteria provided, single submitter. Criteria: ACMG Guidelines, 2015. Collection method: clinical testing. Allele origin: germline.
Comment: This variant is classified as likely benign based on ACMG/AMP sequence variant interpretation guidelines (Richards et al. 2015 PMID: 25741868, with internal and published modifications).

Myriad Genetics, Inc.
Classification: Benign for Breast-ovarian cancer, familial, susceptibility to, 3. Last evaluated: 2025-02-14. Review status: criteria provided, single submitter. Criteria: Myriad Autosomal Dominant, Autosomal Recessive and X-Linked Classification Criteria (2023). Collection method: clinical testing. Allele origin: unknown.
Comment: This variant is considered benign. This variant is a silent/synonymous amino acid change and it is not expected to impact splicing.

Ambry Genetics
Classification: Likely benign for Hereditary cancer-predisposing syndrome. Last evaluated: 2021-06-04. Review status: criteria provided, single submitter. Criteria: Ambry Variant Classification Scheme 2023. Collection method: clinical testing. Allele origin: germline.

NM_058216.3(RAD51C):c.63A>G (p.Pro21=)

Gene: RAD51C (RAD51 paralog C; plus strand). Cytogenetic location: 17q22.
Variant type: single nucleotide variant.
Coding change: c.63A>G on transcript NM_058216.3 (MANE Select); coding-DNA position 63, A replaced by G.
Protein change: p.Pro21=; no amino-acid change (proline 21 retained).
Molecular consequence: synonymous variant. On other transcripts: non-coding transcript variant (1).
Genome position (GRCh38, 1-based): chr17:58,692,706, A>G. VCF-style: chr17-58692706-A-G. GRCh37 (hg19) VCF-style: chr17-56770067-A-G.
Other names: c.63A>G (NM_058216.2); c.63A>G, p.Pro21= (NM_002876.4, NM_058217.1).
Identifiers: ClinVar variation 1753292 (VCV001753292.6), dbSNP rs770111989, ClinGen allele CA8677135.